The following is an entry in ClinVar:

ClinVar aggregate classification (germline): Uncertain significance. Review status: criteria provided, multiple submitters, no conflicts (2 of 4 stars). 3 submissions from 3 submitters: Uncertain significance (3). Last evaluated 2025-05-12.

Allele frequency attached by ClinVar (database versions not stated): TOPMed 0.00002; gnomAD exomes 0.00001 and 0.00002; gnomAD 0.00001; ExAC 0.00002.

Submissions (3):

Labcorp Genetics (formerly Invitae), Labcorp
Classification: Uncertain significance. Last evaluated: 2025-05-12. Review status: criteria provided, single submitter. Criteria: Invitae Variant Classification Sherloc (09022015). Collection method: clinical testing. Allele origin: germline.
Comment: This sequence change replaces arginine, which is basic and polar, with glutamine, which is neutral and polar, at codon 457 of the A2ML1 protein (p.Arg457Gln). This variant is present in population databases (rs765417831, gnomAD 0.02%). This variant has not been reported in the literature in individuals affected with A2ML1-related conditions. ClinVar contains an entry for this variant (Variation ID: 987843). An algorithm developed to predict the effect of missense changes on protein structure and function outputs the following: PolyPhen-2: "Benign". The glutamine amino acid residue is found in multiple mammalian species, which suggests that this missense change does not adversely affect protein function. In summary, the available evidence is currently insufficient to determine the role of this variant in disease. Therefore, it has been classified as a Variant of Uncertain Significance.

Ambry Genetics
Classification: Uncertain significance. Last evaluated: 2023-11-01. Review status: criteria provided, single submitter. Criteria: Ambry Variant Classification Scheme 2023. Collection method: clinical testing. Allele origin: germline.
Comment: The p.R457Q variant (also known as c.1370G>A), located in coding exon 12 of the A2ML1 gene, results from a G to A substitution at nucleotide position 1370. The arginine at codon 457 is replaced by glutamine, an amino acid with highly similar properties. This amino acid position is conserved. In addition, this alteration is predicted to be tolerated by in silico analysis. Since supporting evidence is limited at this time, the clinical significance of this alteration remains unclear.

Women's Health and Genetics/Laboratory Corporation of America, LabCorp
Classification: Uncertain significance. Last evaluated: 2020-11-30. Review status: criteria provided, single submitter. Criteria: LabCorp Variant Classification Summary - May 2015. Collection method: clinical testing. Allele origin: germline.
Comment: Variant summary: A2ML1 c.1370G>A (p.Arg457Gln) results in a conservative amino acid change located in the Alpha-2-macroglobulin, bait region domain (IPR011625) of the encoded protein sequence. Five of five in-silico tools predict a benign effect of the variant on protein function. The variant allele was found at a frequency of 2e-05 in 249580 control chromosomes (gnomAD). The available data on variant occurrences in the general population are insufficient to allow any conclusion about variant significance. To our knowledge, no occurrence of c.1370G>A in individuals affected with Noonan Syndrome and no experimental evidence demonstrating its impact on protein function have been reported. No clinical diagnostic laboratories have submitted clinical-significance assessments for this variant to ClinVar after 2014. Based on the evidence outlined above, the variant was classified as uncertain significance.

NM_144670.6(A2ML1):c.1370G>A (p.Arg457Gln)

Gene: A2ML1 (alpha-2-macroglobulin like 1; plus strand). Cytogenetic location: 12p13.31.
Variant type: single nucleotide variant.
Coding change: c.1370G>A on transcript NM_144670.6 (MANE Select); coding-DNA position 1370, G replaced by A.
Protein change: p.Arg457Gln; replaces arginine 457 with glutamine.
Molecular consequence: missense variant.
Genome position (GRCh38, 1-based): chr12:8,843,255, G>A. VCF-style: chr12-8843255-G-A. GRCh37 (hg19) VCF-style: chr12-8995851-G-A.
Other names: c.1370G>A (NM_144670.3); short protein forms R457Q.
Identifiers: ClinVar variation 987843 (VCV000987843.6), dbSNP rs765417831, ClinGen allele CA6435633.